The following is an entry in ClinVar:

NM_024529.5(CDC73):c.1575T>G (p.His525Gln)

Gene: CDC73 (cell division cycle 73; plus strand). Cytogenetic location: 1q31.2.
Variant type: single nucleotide variant.
Coding change: c.1575T>G on transcript NM_024529.5 (MANE Select); coding-DNA position 1575, T replaced by G.
Protein change: p.His525Gln; replaces histidine 525 with glutamine.
Molecular consequence: missense variant.
Genome position (GRCh38, 1-based): chr1:193,250,691, T>G. VCF-style: chr1-193250691-T-G. GRCh37 (hg19) VCF-style: chr1-193219821-T-G.
Other names: short protein forms H525Q.
Identifiers: ClinVar variation 640791 (VCV000640791.11), dbSNP rs1378278674, ClinGen allele CA344078713.

ClinVar aggregate classification (germline): Uncertain significance. Review status: criteria provided, multiple submitters, no conflicts (2 of 4 stars). 4 submissions from 4 submitters: Uncertain significance (4). Last evaluated 2025-08-13.

Conditions:
Hereditary cancer-predisposing syndrome. Also called: Neoplastic Syndromes, Hereditary; Hereditary Cancer Syndrome; Hereditary neoplastic syndrome; Tumor predisposition. Identifiers: Orphanet 140162, MedGen C0027672, MeSH D009386, MONDO:0015356.
Hyperparathyroidism 2 with jaw tumors. Also called: HYPERPARATHYROIDISM, FAMILIAL PRIMARY, WITH MULTIPLE OSSIFYING JAW FIBROMAS; HYPERPARATHYROIDISM-JAW TUMOR SYNDROME, HEREDITARY; Hyperparathyroidism 2; Hyperparathyroidism-Jaw Tumor Syndrome. Identifiers: Orphanet 99880, MedGen C1704981, MONDO:0007768, OMIM 145001.
Parathyroid carcinoma (PRTC). Also called: CDC73-Related Parathyroid Carcinoma; Parathyroid gland carcinoma. Identifiers: Orphanet 143, MedGen C0687150, MONDO:0012004, OMIM 608266, HP:0006780.
Hyperparathyroidism 1 (HRPT1). Also called: HYPERPARATHYROIDISM, FAMILIAL ISOLATED PRIMARY. Identifiers: Orphanet 99879, MedGen C1840402, MONDO:0007767, OMIM 145000.

Allele frequency attached by ClinVar (database versions not stated): gnomAD exomes below 0.00001; TOPMed below 0.00001; gnomAD 0.00001.
gnomAD v4.1: 3 of 1,608,838 alleles (0.00019%); highest among the groups gnomAD compares: Admixed American, 0.005%; no homozygotes.

Submissions (4):

Labcorp Genetics (formerly Invitae), Labcorp
Classification: Uncertain significance for Parathyroid carcinoma. Last evaluated: 2025-08-13. Review status: criteria provided, single submitter. Criteria: Invitae Variant Classification Sherloc (09022015). Collection method: clinical testing. Allele origin: germline.
Comment: This sequence change replaces histidine, which is basic and polar, with glutamine, which is neutral and polar, at codon 525 of the CDC73 protein (p.His525Gln). This variant is present in population databases (no rsID available, gnomAD 0.006%). This variant has not been reported in the literature in individuals affected with CDC73-related conditions. ClinVar contains an entry for this variant (Variation ID: 640791). Invitae Evidence Modeling of protein sequence and biophysical properties (such as structural, functional, and spatial information, amino acid conservation, physicochemical variation, residue mobility, and thermodynamic stability) indicates that this missense variant is not expected to disrupt CDC73 protein function with a negative predictive value of 80%. In summary, the available evidence is currently insufficient to determine the role of this variant in disease. Therefore, it has been classified as a Variant of Uncertain Significance.

Ambry Genetics
Classification: Uncertain significance for Hereditary cancer-predisposing syndrome. Last evaluated: 2024-03-06. Review status: criteria provided, single submitter. Criteria: Ambry Variant Classification Scheme 2023. Collection method: clinical testing. Allele origin: germline.
Comment: The p.H525Q variant (also known as c.1575T>G), located in coding exon 17 of the CDC73 gene, results from a T to G substitution at nucleotide position 1575. The histidine at codon 525 is replaced by glutamine, an amino acid with highly similar properties. This amino acid position is conserved. In addition, the in silico prediction for this alteration is inconclusive. Based on the available evidence, the clinical significance of this alteration remains unclear.

Baylor Genetics
Classification: Uncertain significance for Hyperparathyroidism 1. Last evaluated: 2023-11-17. Review status: criteria provided, single submitter. Criteria: ACMG Guidelines, 2015. Collection method: clinical testing. Allele origin: unknown.

Fulgent Genetics
Classification: Uncertain significance for Hyperparathyroidism 1; Hyperparathyroidism 2 with jaw tumors; Parathyroid carcinoma. Last evaluated: 2022-03-05. Review status: criteria provided, single submitter. Criteria: ACMG Guidelines, 2015. Collection method: clinical testing. Allele origin: unknown.